The following is an entry in ClinVar:

NM_001754.5(RUNX1):c.127C>A (p.Pro43Thr)

Gene: RUNX1 (RUNX family transcription factor 1; minus strand). Cytogenetic location: 21q22.12.
Variant type: single nucleotide variant.
Coding change: c.127C>A on transcript NM_001754.5 (MANE Select); coding-DNA position 127, C replaced by A.
Protein change: p.Pro43Thr; replaces proline 43 with threonine.
Molecular consequence: missense variant.
Genome position (GRCh38, 1-based): chr21:34,887,067, G>T on the plus strand (C>A on the coding strand, the complement: RUNX1 is on the minus strand). VCF-style: chr21-34887067-G-T. GRCh37 (hg19) VCF-style: chr21-36259364-G-T.
Other names: c.46C>A, p.Pro16Thr (NM_001001890.3, NM_001122607.2); short protein forms P43T, P16T.
Identifiers: ClinVar variation 3948873 (VCV003948873.1).

ClinVar aggregate classification (germline): Uncertain significance (1 of 4 stars; one submission).

Conditions:
Inborn genetic diseases. Identifiers: MedGen C0950123, MeSH D030342.

Submission:

Ambry Genetics
Classification: Uncertain significance for Inborn genetic diseases. Last evaluated: 2025-04-25. Review status: criteria provided, single submitter. Criteria: Ambry Variant Classification Scheme 2023. Collection method: clinical testing. Allele origin: germline.
Comment: The p.P43T variant (also known as c.127C>A), located in coding exon 3 of the RUNX1 gene, results from a C to A substitution at nucleotide position 127. The proline at codon 43 is replaced by threonine, an amino acid with highly similar properties. This amino acid position is conserved. In addition, this alteration is predicted to be deleterious by in silico analysis. Based on the available evidence, the clinical significance of this variant remains unclear.